The following is an entry in ClinVar:

NM_022124.6(CDH23):c.9024A>G (p.Glu3008=)

Gene: CDH23 (cadherin related 23; plus strand). Cytogenetic location: 10q22.1.
Variant type: single nucleotide variant.
Coding change: c.9024A>G on transcript NM_022124.6 (MANE Select); coding-DNA position 9024, A replaced by G.
Protein change: p.Glu3008=; no amino-acid change (glutamic acid 3008 retained).
Molecular consequence: synonymous variant.
Genome position (GRCh38, 1-based): chr10:71,810,516, A>G. VCF-style: chr10-71810516-A-G. GRCh37 (hg19) VCF-style: chr10-73570273-A-G.
Other names: c.2304A>G, p.Glu768= (NM_001171933.1, NM_001171934.1).
Identifiers: ClinVar variation 179835 (VCV000179835.11), dbSNP rs727505162, ClinGen allele CA185236.

ClinVar aggregate classification (germline): Likely benign. Review status: criteria provided, multiple submitters, no conflicts (2 of 4 stars). 2 submissions from 2 submitters: Likely benign (2). Last evaluated 2024-07-19.

Allele frequency attached by ClinVar (database versions not stated): gnomAD exomes below 0.00001; gnomAD 0.00001.
gnomAD v4.1: 4 of 1,613,828 alleles (0.00025%); highest among the groups gnomAD compares: Admixed American, 0.0017%; no homozygotes.

Submissions (2):

Labcorp Genetics (formerly Invitae), Labcorp
Classification: Likely benign. Last evaluated: 2024-07-19. Review status: criteria provided, single submitter. Criteria: Invitae Variant Classification Sherloc (09022015). Collection method: clinical testing. Allele origin: germline.

Laboratory for Molecular Medicine, Mass General Brigham Personalized Medicine
Classification: Likely benign. Last evaluated: 2014-06-10. Review status: criteria provided, single submitter. Criteria: LMM Criteria. Collection method: clinical testing. Allele origin: germline. Observed: 2 variant alleles.
Comment: Glu3008Glu in exon 62 of CDH23: This variant is not expected to have clinical s ignificance because it does not alter an amino acid residue and is not located w ithin the splice consensus sequence.